The following is an entry in ClinVar:

ClinVar aggregate classification (germline): Likely pathogenic (1 of 4 stars; one submission).

Conditions:
Autosomal recessive cerebellar ataxia-saccadic intrusion syndrome. Also called: SPINOCEREBELLAR ATAXIA 24; VPS13D Movement Disorder. Identifiers: Orphanet 95434, MedGen C1846492, MONDO:0011811, OMIM 607317.

gnomAD v4.1: 22 of 1,614,124 alleles (0.0014%); highest among the groups gnomAD compares: East Asian, 0.0022%; no homozygotes.

Submission:

Institute of Human Genetics, Cologne University
Classification: Likely pathogenic for Autosomal recessive cerebellar ataxia-saccadic intrusion syndrome. Last evaluated: 2025-11-27. Review status: criteria provided, single submitter. Criteria: ACMG Guidelines, 2015. Collection method: clinical testing. Allele origin: maternal. Affected: yes.
Comment: 2 affected siblings

NM_015378.4(VPS13D):c.9301C>T (p.Arg3101Trp)

Gene: VPS13D (vacuolar protein sorting 13 homolog D; plus strand). Cytogenetic location: 1p36.22.
Variant type: single nucleotide variant.
Coding change: c.9301C>T on transcript NM_015378.4 (MANE Select); coding-DNA position 9301, C replaced by T.
Protein change: p.Arg3101Trp; replaces arginine 3101 with tryptophan.
Molecular consequence: missense variant.
Genome position (GRCh38, 1-based): chr1:12,349,244, C>T. VCF-style: chr1-12349244-C-T. GRCh37 (hg19) VCF-style: chr1-12409301-C-T.
Other names: c.9226C>T, p.Arg3076Trp (NM_018156.4); short protein forms R3076W, R3101W.
Identifiers: ClinVar variation 4536617 (VCV004536617.1).